The following is an entry in ClinVar:

ClinVar aggregate classification (germline): Benign/Likely benign. Review status: criteria provided, multiple submitters, no conflicts (2 of 4 stars). 3 submissions from 3 submitters: Benign (1); Likely benign (2). Last evaluated 2024-04-05.

Conditions:
Hereditary cancer-predisposing syndrome. Also called: Hereditary neoplastic syndrome; Neoplastic Syndromes, Hereditary; Tumor predisposition; Hereditary Cancer Syndrome. Identifiers: Orphanet 140162, MedGen C0027672, MeSH D009386, MONDO:0015356.
Familial adenomatous polyposis 1 (FAP1). Also called: POLYPOSIS, ADENOMATOUS INTESTINAL; FAMILIAL ADENOMATOUS POLYPOSIS 1, ATTENUATED. Identifiers: MedGen C2713442, MONDO:0021056, OMIM 175100. Disease mechanism: loss of function.

Submissions (3):

Myriad Genetics, Inc.
Classification: Benign for Familial adenomatous polyposis 1. Last evaluated: 2024-04-05. Review status: criteria provided, single submitter. Criteria: Myriad Autosomal Dominant, Autosomal Recessive and X-Linked Classification Criteria (2023). Collection method: clinical testing. Allele origin: unknown.
Comment: This variant is considered benign. This variant is a silent/synonymous amino acid change and it is not expected to impact splicing.

Ambry Genetics
Classification: Likely benign for Hereditary cancer-predisposing syndrome. Last evaluated: 2020-02-04. Review status: criteria provided, single submitter. Criteria: Ambry Variant Classification Scheme 2023. Collection method: clinical testing. Allele origin: germline.

Labcorp Genetics (formerly Invitae), Labcorp
Classification: Likely benign for Familial adenomatous polyposis 1. Last evaluated: 2017-02-15. Review status: criteria provided, single submitter. Criteria: Invitae Variant Classification Sherloc (09022015). Collection method: clinical testing. Allele origin: germline.

NM_000038.6(APC):c.6759T>G (p.Leu2253=)

Gene: APC (APC regulator of Wnt signaling pathway; plus strand). Cytogenetic location: 5q22.2.
Variant type: single nucleotide variant.
Coding change: c.6759T>G on transcript NM_000038.6 (MANE Select); coding-DNA position 6759, T replaced by G.
Protein change: p.Leu2253=; no amino-acid change (leucine 2253 retained).
Molecular consequence: synonymous variant.
Genome position (GRCh38, 1-based): chr5:112,842,353, T>G. VCF-style: chr5-112842353-T-G. GRCh37 (hg19) VCF-style: chr5-112178050-T-G.
Other names: c.6759T>G, p.Leu2253= (NM_001127510.3, NM_001354895.2); c.6705T>G, p.Leu2235= (NM_001127511.3); c.6813T>G, p.Leu2271= (NM_001354896.2); c.6789T>G, p.Leu2263= (NM_001354897.2); c.6684T>G, p.Leu2228= (NM_001354898.2); c.6675T>G, p.Leu2225= (NM_001354899.2); c.6636T>G, p.Leu2212= (NM_001354900.2); c.6582T>G, p.Leu2194= (NM_001354901.2); and 5 more.
Identifiers: ClinVar variation 470062 (VCV000470062.13), dbSNP rs1554087705, ClinGen allele CA446209992.